The following is an entry in ClinVar:

ClinVar aggregate classification (germline): Uncertain significance. Review status: criteria provided, multiple submitters, no conflicts (2 of 4 stars). 2 submissions from 2 submitters: Uncertain significance (2). Last evaluated 2025-09-14.

Conditions:
Inflammatory bowel disease, immunodeficiency, and encephalopathy. Identifiers: Orphanet 565788, MedGen C4748708, MONDO:0032601, OMIM 618213.

Allele frequency attached by ClinVar (database versions not stated): gnomAD 0.00001; ExAC 0.00002; gnomAD exomes 0.00002 and 0.00005; TOPMed 0.00002; ESP Exome Variant Server 0.00008.
gnomAD v4.1: 69 of 1,609,764 alleles (0.0043%); highest among the groups gnomAD compares: Middle Eastern, 0.016%; no homozygotes.

Submissions (2):

Labcorp Genetics (formerly Invitae), Labcorp
Classification: Uncertain significance. Last evaluated: 2025-09-14. Review status: criteria provided, single submitter. Criteria: Invitae Variant Classification Sherloc (09022015). Collection method: clinical testing. Allele origin: germline.
Comment: This sequence change falls in intron 6 of the TGFB1 gene. It does not directly change the encoded amino acid sequence of the TGFB1 protein. It affects a nucleotide within the consensus splice site. This variant is present in population databases (rs374776102, gnomAD 0.004%). This variant has not been reported in the literature in individuals affected with TGFB1-related conditions. ClinVar contains an entry for this variant (Variation ID: 1518693). Variants that disrupt the consensus splice site are a relatively common cause of aberrant splicing (PMID: 17576681, 9536098). Algorithms developed to predict the effect of sequence changes on RNA splicing suggest that this variant may disrupt the consensus splice site. In summary, the available evidence is currently insufficient to determine the role of this variant in disease. Therefore, it has been classified as a Variant of Uncertain Significance.

Department of Pathology and Laboratory Medicine, Sinai Health System
Classification: Uncertain significance for inflammatory bowel disease, immunodeficiency, and encephalopathy. Last evaluated: 2022-07-03. Review status: criteria provided, single submitter. Criteria: ACMG Guidelines, 2015. Collection method: research. Allele origin: germline.

Literature cited by the submitters: PubMed 17576681 (cited by Labcorp Genetics (formerly Invitae), Labcorp); PubMed 9536098 (cited by Labcorp Genetics (formerly Invitae), Labcorp).

NM_000660.7(TGFB1):c.1014+5G>A

Gene: TGFB1 (transforming growth factor beta 1; minus strand). Cytogenetic location: 19q13.2.
Variant type: single nucleotide variant.
Coding change: c.1014+5G>A on transcript NM_000660.7 (MANE Select); 5 bases into the intron after coding-DNA position 1014, G replaced by A.
Molecular consequence: intron variant.
Genome position (GRCh38, 1-based): chr19:41,332,123, C>T on the plus strand (G>A on the coding strand, the complement: TGFB1 is on the minus strand). VCF-style: chr19-41332123-C-T. GRCh37 (hg19) VCF-style: chr19-41838028-C-T.
Identifiers: ClinVar variation 1518693 (VCV001518693.7), dbSNP rs374776102, ClinGen allele CA9459930.
Genomic context (GRCh38, chr19:41,332,123, plus strand): 5'-TCTCTCCTCTTCCTCCGTCCTGGCTCCCCCCAAGCGCATCTCGTAGCCCGGTGGGCCAGA[C>T]GTACCTTGCTGTACTGCGTGTCCAGGCTCCAAATGTAGGGGCAGGGCCCGAGGCAGAAGT-3'